The following is an entry in ClinVar:

ClinVar aggregate classification (germline): Uncertain significance (1 of 4 stars; one submission).

Allele frequency attached by ClinVar (database versions not stated): ExAC 0.00007; gnomAD exomes 0.00007 and 0.00013; TOPMed 0.00008; gnomAD 0.00009 and 0.00011; ESP Exome Variant Server 0.00023.
gnomAD v4.1: 218 of 1,614,006 alleles (0.014%); highest among the groups gnomAD compares: Non-Finnish European, 0.017%; no homozygotes.

Submission:

Labcorp Genetics (formerly Invitae), Labcorp
Classification: Uncertain significance. Last evaluated: 2025-03-24. Review status: criteria provided, single submitter. Criteria: Invitae Variant Classification Sherloc (09022015). Collection method: clinical testing. Allele origin: germline.
Comment: This sequence change replaces glutamine, which is neutral and polar, with arginine, which is basic and polar, at codon 462 of the SIAE protein (p.Gln462Arg). This variant is present in population databases (rs143668140, gnomAD 0.01%). This variant has not been reported in the literature in individuals affected with SIAE-related conditions. ClinVar contains an entry for this variant (Variation ID: 1485806). An algorithm developed to predict the effect of missense changes on protein structure and function outputs the following: PolyPhen-2: "Benign". The arginine amino acid residue is found in multiple mammalian species, which suggests that this missense change does not adversely affect protein function. Experimental studies have shown that this missense change does not substantially affect SIAE function (PMID: 20555325). In summary, the available evidence is currently insufficient to determine the role of this variant in disease. Therefore, it has been classified as a Variant of Uncertain Significance.

Literature cited by the submitters: PubMed 20555325.

NM_170601.5(SIAE):c.1385A>G (p.Gln462Arg)

Gene: SIAE (sialic acid acetylesterase; minus strand). Cytogenetic location: 11q24.2.
Variant type: single nucleotide variant.
Coding change: c.1385A>G on transcript NM_170601.5 (MANE Select); coding-DNA position 1385, A replaced by G.
Protein change: p.Gln462Arg; replaces glutamine 462 with arginine.
Molecular consequence: missense variant.
Genome position (GRCh38, 1-based): chr11:124,637,138, T>C on the plus strand (A>G on the coding strand, the complement: SIAE is on the minus strand). VCF-style: chr11-124637138-T-C. GRCh37 (hg19) VCF-style: chr11-124507034-T-C.
Other names: c.1280A>G, p.Gln427Arg (NM_001199922.2); short protein forms Q427R, Q462R.
Identifiers: ClinVar variation 1485806 (VCV001485806.8), dbSNP rs143668140, ClinGen allele CA6341186.